The following is an entry in ClinVar:

NM_001009944.3(PKD1):c.5602G>C (p.Ala1868Pro)

Gene: PKD1 (polycystin 1, transient receptor potential channel interacting; minus strand). Cytogenetic location: 16p13.3.
Variant type: single nucleotide variant.
Coding change: c.5602G>C on transcript NM_001009944.3 (MANE Select); coding-DNA position 5602, G replaced by C.
Protein change: p.Ala1868Pro; replaces alanine 1868 with proline.
Molecular consequence: missense variant.
Genome position (GRCh38, 1-based): chr16:2,109,565, C>G on the plus strand (G>C on the coding strand, the complement: PKD1 is on the minus strand). VCF-style: chr16-2109565-C-G. GRCh37 (hg19) VCF-style: chr16-2159566-C-G.
Other names: c.5602G>C, p.Ala1868Pro (NM_000296.4); short protein forms A1868P.
Identifiers: ClinVar variation 1308340 (VCV001308340.2), dbSNP rs753398195, ClinGen allele CA394376208.

ClinVar aggregate classification (germline): Uncertain significance (1 of 4 stars; one submission).

Submission:

GeneDx
Classification: Uncertain significance. Last evaluated: 2019-04-11. Review status: criteria provided, single submitter. Criteria: GeneDx Variant Classification Process June 2021. Collection method: clinical testing. Allele origin: germline. Affected: yes.
Comment: Not observed in large population cohorts (Lek et al., 2016); In silico analysis, which includes protein predictors and evolutionary conservation, supports a deleterious effect; Has not been previously published as pathogenic or benign to our knowledge